The following is an entry in ClinVar:

NM_004006.3(DMD):c.10306C>T (p.Arg3436Cys)

Gene: DMD (dystrophin; minus strand). Cytogenetic location: Xp21.2.
Variant type: single nucleotide variant.
Coding change: c.10306C>T on transcript NM_004006.3 (MANE Select); coding-DNA position 10306, C replaced by T.
Protein change: p.Arg3436Cys; replaces arginine 3436 with cysteine.
Molecular consequence: missense variant. On other transcripts: intron variant (2).
Genome position (GRCh38, 1-based): chrX:31,173,561, G>A on the plus strand (C>T on the coding strand, the complement: DMD is on the minus strand). VCF-style: chrX-31173561-G-A. GRCh37 (hg19) VCF-style: chrX-31191678-G-A.
Other names: c.10282C>T, p.Arg3428Cys (NM_000109.4); c.10294C>T, p.Arg3432Cys (NM_004009.3); c.9937C>T, p.Arg3313Cys (NM_004010.3); c.6283C>T, p.Arg2095Cys (NM_004011.4); c.6274C>T, p.Arg2092Cys (NM_004012.4); c.2926C>T, p.Arg976Cys (NM_004013.3, NM_004021.3); c.2119C>T, p.Arg707Cys (NM_004014.3); c.1102C>T, p.Arg368Cys (NM_004015.3, NM_004016.3); and 3 more; short protein forms R3436C, R2092C, R3313C, R963C, R3432C, R368C, R707C, R976C.
Identifiers: ClinVar variation 288506 (VCV000288506.11), dbSNP rs768314745, ClinGen allele CA10377632.

ClinVar aggregate classification (germline): Uncertain significance. Review status: criteria provided, multiple submitters, no conflicts (2 of 4 stars). 3 submissions from 3 submitters: Uncertain significance (2). 1 of the submissions does not count toward it. Last evaluated 2022-07-15.

Conditions:
Dystrophin deficiency.
Duchenne muscular dystrophy (DMD). Also called: Duchenne Muscular Dystrophy (DMD); MUSCULAR DYSTROPHY, PSEUDOHYPERTROPHIC PROGRESSIVE, DUCHENNE TYPE. Identifiers: Orphanet 98896, MedGen C0013264, MONDO:0010679, OMIM 310200.

Allele frequency attached by ClinVar (database versions not stated): TOPMed below 0.00001; gnomAD 0.00001; gnomAD exomes 0.00001 and 0.00003; ExAC 0.00002.
gnomAD v4.1: 10 of 1,208,732 alleles (0.00083%); highest among the groups gnomAD compares: Admixed American, 0.0087%; no homozygotes.

Submissions (3):

Labcorp Genetics (formerly Invitae), Labcorp
Classification: Uncertain significance for Duchenne muscular dystrophy. Last evaluated: 2022-07-15. Review status: criteria provided, single submitter. Criteria: Invitae Variant Classification Sherloc (09022015). Collection method: clinical testing. Allele origin: germline.
Comment: This sequence change replaces arginine, which is basic and polar, with cysteine, which is neutral and slightly polar, at codon 3436 of the DMD protein (p.Arg3436Cys). This variant is present in population databases (rs768314745, gnomAD 0.01%), including at least one homozygous and/or hemizygous individual. This variant has not been reported in the literature in individuals affected with DMD-related conditions. ClinVar contains an entry for this variant (Variation ID: 288506). Algorithms developed to predict the effect of missense changes on protein structure and function are either unavailable or do not agree on the potential impact of this missense change (SIFT: "Deleterious"; PolyPhen-2: "Possibly Damaging"; Align-GVGD: "Class C0"). In summary, the available evidence is currently insufficient to determine the role of this variant in disease. Therefore, it has been classified as a Variant of Uncertain Significance.

Eurofins Ntd Llc (ga)
Classification: Uncertain significance. Last evaluated: 2016-06-06. Review status: criteria provided, single submitter. Criteria: EGL Classification Definitions 2015. Collection method: clinical testing. Allele origin: germline. Observed: 1 variant allele, 1 heterozygote.

Natera, Inc.
Classification: Uncertain significance for Dystrophin deficiency. Last evaluated: 2020-09-16. Review status: no assertion criteria provided. Collection method: clinical testing. Allele origin: germline. Not counted in ClinVar's aggregate classification.